The following is an entry in ClinVar:

ClinVar aggregate classification (germline): Uncertain significance (1 of 4 stars; one submission).

Conditions:
Neuropathy, hereditary motor and sensory, type 6B (HMSN6B). Also called: NEUROPATHY, HEREDITARY MOTOR AND SENSORY, TYPE VIB, WITH OPTIC ATROPHY; Neuropathy, hereditary motor and sensory, type VIB; HMSN VIB; CHARCOT-MARIE-TOOTH DISEASE, TYPE 6B. Identifiers: MedGen C4225302, MONDO:0014671, OMIM 616505.

Allele frequency attached by ClinVar (database versions not stated): gnomAD exomes below 0.00001; TOPMed below 0.00001; gnomAD 0.00001; ExAC 0.00002; ESP Exome Variant Server 0.00008.
gnomAD v4.1: 3 of 1,560,206 alleles (0.00019%); highest among the groups gnomAD compares: Non-Finnish European, 0.00017%; no homozygotes.

Submission:

Labcorp Genetics (formerly Invitae), Labcorp
Classification: Uncertain significance for Neuropathy, hereditary motor and sensory, type 6B. Last evaluated: 2022-08-23. Review status: criteria provided, single submitter. Criteria: Invitae Variant Classification Sherloc (09022015). Collection method: clinical testing. Allele origin: germline.
Comment: In summary, the available evidence is currently insufficient to determine the role of this variant in disease. Therefore, it has been classified as a Variant of Uncertain Significance. Algorithms developed to predict the effect of missense changes on protein structure and function are either unavailable or do not agree on the potential impact of this missense change (SIFT: "Deleterious"; PolyPhen-2: "Benign"; Align-GVGD: "Class C15"). ClinVar contains an entry for this variant (Variation ID: 1042832). This variant has not been reported in the literature in individuals affected with SLC25A46-related conditions. The frequency data for this variant in the population databases is considered unreliable, as metrics indicate poor data quality at this position in the gnomAD database. This sequence change replaces valine, which is neutral and non-polar, with alanine, which is neutral and non-polar, at codon 190 of the SLC25A46 protein (p.Val190Ala).

NM_138773.4(SLC25A46):c.569T>C (p.Val190Ala)

Gene: SLC25A46 (solute carrier family 25 member 46; plus strand). Cytogenetic location: 5q22.1.
Variant type: single nucleotide variant.
Coding change: c.569T>C on transcript NM_138773.4 (MANE Select); coding-DNA position 569, T replaced by C.
Protein change: p.Val190Ala; replaces valine 190 with alanine.
Molecular consequence: missense variant. On other transcripts: non-coding transcript variant (1).
Genome position (GRCh38, 1-based): chr5:110,755,470, T>C. VCF-style: chr5-110755470-T-C. GRCh37 (hg19) VCF-style: chr5-110091170-T-C.
Other names: c.569T>C, p.Val190Ala (NM_001303249.3); c.296T>C, p.Val99Ala (NM_001303250.3); short protein forms V190A, V99A.
Identifiers: ClinVar variation 1042832 (VCV001042832.7), dbSNP rs372083789, ClinGen allele CA3364645.